The following is an entry in ClinVar:

ClinVar aggregate classification (germline): Uncertain significance. Review status: criteria provided, multiple submitters, no conflicts (2 of 4 stars). 2 submissions from 2 submitters: Uncertain significance (2). Last evaluated 2025-12-02.

Conditions:
Inborn genetic diseases. Identifiers: MedGen C0950123, MeSH D030342.

Allele frequency attached by ClinVar (database versions not stated): TOPMed below 0.00001; gnomAD exomes 0.00001; ExAC 0.00007.

Submissions (2):

Ambry Genetics
Classification: Uncertain significance for Inborn genetic diseases. Last evaluated: 2025-12-02. Review status: criteria provided, single submitter. Criteria: Ambry Variant Classification Scheme 2023. Collection method: clinical testing. Allele origin: germline.

Labcorp Genetics (formerly Invitae), Labcorp
Classification: Uncertain significance. Last evaluated: 2022-05-14. Review status: criteria provided, single submitter. Criteria: Invitae Variant Classification Sherloc (09022015). Collection method: clinical testing. Allele origin: germline.
Comment: This sequence change replaces serine, which is neutral and polar, with asparagine, which is neutral and polar, at codon 713 of the APC2 protein (p.Ser713Asn). The frequency data for this variant in the population databases is considered unreliable, as metrics indicate poor data quality at this position in the gnomAD database. This variant has not been reported in the literature in individuals affected with APC2-related conditions. Algorithms developed to predict the effect of missense changes on protein structure and function are either unavailable or do not agree on the potential impact of this missense change (SIFT: "Deleterious"; PolyPhen-2: "Benign"; Align-GVGD: "Class C0"). In summary, the available evidence is currently insufficient to determine the role of this variant in disease. Therefore, it has been classified as a Variant of Uncertain Significance.

NM_005883.3(APC2):c.2138G>A (p.Ser713Asn)

Gene: APC2 (APC regulator of Wnt signaling pathway 2; plus strand). Cytogenetic location: 19p13.3.
Variant type: single nucleotide variant.
Coding change: c.2138G>A on transcript NM_005883.3 (MANE Select); coding-DNA position 2138, G replaced by A.
Protein change: p.Ser713Asn; replaces serine 713 with asparagine.
Molecular consequence: missense variant.
Genome position (GRCh38, 1-based): chr19:1,465,439, G>A. VCF-style: chr19-1465439-G-A. GRCh37 (hg19) VCF-style: chr19-1465438-G-A.
Other names: c.2135G>A, p.Ser712Asn (NM_001351273.1); c.2138G>A (NM_005883.2); short protein forms S713N, S712N.
Identifiers: ClinVar variation 2186239 (VCV002186239.5), dbSNP rs780381200, ClinGen allele CA9045391.